The following is an entry in ClinVar:

NM_007373.4(SHOC2):c.1265C>A (p.Ser422Tyr)

Gene: SHOC2 (SHOC2 leucine rich repeat scaffold protein; plus strand). Cytogenetic location: 10q25.2.
Variant type: single nucleotide variant.
Coding change: c.1265C>A on transcript NM_007373.4 (MANE Select); coding-DNA position 1265, C replaced by A.
Protein change: p.Ser422Tyr; replaces serine 422 with tyrosine.
Molecular consequence: missense variant. On other transcripts: non-coding transcript variant (1).
Genome position (GRCh38, 1-based): chr10:111,007,634, C>A. VCF-style: chr10-111007634-C-A. GRCh37 (hg19) VCF-style: chr10-112767392-C-A.
Other names: c.1127C>A, p.Ser376Tyr (NM_001269039.3); c.1265C>A, p.Ser422Tyr (NM_001324336.2, NM_001324337.2); short protein forms S376Y, S422Y.
Identifiers: ClinVar variation 3954157 (VCV003954157.2).

ClinVar aggregate classification (germline): Uncertain significance. Review status: criteria provided, multiple submitters, no conflicts (2 of 4 stars). 2 submissions from 2 submitters: Uncertain significance (2). Last evaluated 2025-03-25.

Conditions:
Cardiovascular phenotype. Identifiers: MedGen CN230736.
RASopathy. Also called: rasopathies; Noonan spectrum disorder. Identifiers: Orphanet 536391, MedGen C5555857, MONDO:0021060.

gnomAD v4.1: 1 of 1,613,514 alleles (0.000062%); highest among the groups gnomAD compares: African/African-American, 0.0013%; no homozygotes.

Submissions (2):

Ambry Genetics
Classification: Uncertain significance for Cardiovascular phenotype. Last evaluated: 2025-03-25. Review status: criteria provided, single submitter. Criteria: Ambry Variant Classification Scheme 2023. Collection method: clinical testing. Allele origin: germline.
Comment: The p.S422Y variant (also known as c.1265C>A), located in coding exon 5 of the SHOC2 gene, results from a C to A substitution at nucleotide position 1265. The serine at codon 422 is replaced by tyrosine, an amino acid with dissimilar properties. This amino acid position is conserved. In addition, this alteration is predicted to be tolerated by in silico analysis. Based on the available evidence, the clinical significance of this variant remains unclear.

Labcorp Genetics (formerly Invitae), Labcorp
Classification: Uncertain significance for RASopathy. Last evaluated: 2025-02-19. Review status: criteria provided, single submitter. Criteria: Invitae Variant Classification Sherloc (09022015). Collection method: clinical testing. Allele origin: germline.
Comment: This sequence change replaces serine, which is neutral and polar, with tyrosine, which is neutral and polar, at codon 422 of the SHOC2 protein (p.Ser422Tyr). This variant is not present in population databases (gnomAD no frequency). This variant has not been reported in the literature in individuals affected with SHOC2-related conditions. Invitae Evidence Modeling of protein sequence and biophysical properties (such as structural, functional, and spatial information, amino acid conservation, physicochemical variation, residue mobility, and thermodynamic stability) indicates that this missense variant is not expected to disrupt SHOC2 protein function with a negative predictive value of 80%. In summary, the available evidence is currently insufficient to determine the role of this variant in disease. Therefore, it has been classified as a Variant of Uncertain Significance.